The following is an entry in ClinVar:

NM_020975.6(RET):c.2971_2972delinsAG (p.Glu991Arg)

Gene: RET (ret proto-oncogene; plus strand). Cytogenetic location: 10q11.21.
Variant type: Indel.
Coding change: c.2971_2972delinsAG on transcript NM_020975.6 (MANE Select); coding-DNA positions 2971 to 2972, GA replaced by AG.
Protein change: p.Glu991Arg; replaces glutamic acid 991 with arginine.
Molecular consequence: missense variant.
Genome position (GRCh38, 1-based): chr10:43,124,914-43,124,915, GA replaced by AG. VCF-style: chr10-43124914-GA-AG. GRCh37 (hg19) VCF-style: chr10-43620362-GA-AG.
Other names: c.2971_2972delGAinsAG, p.Glu991Arg (NM_000323.2, NM_001406743.1, NM_001406744.1 and 4 more transcripts); c.2209_2210delGAinsAG, p.Glu737Arg (NM_001355216.2); c.2842_2843delGAinsAG, p.Glu948Arg (NM_001406761.1, NM_001406762.1, NM_001406764.1); c.2836_2837delGAinsAG, p.Glu946Arg (NM_001406763.1, NM_001406765.1); c.2683_2684delGAinsAG, p.Glu895Arg (NM_001406766.1, NM_001406767.1, NM_001406770.1); c.2707_2708delGAinsAG, p.Glu903Arg (NM_001406768.1); c.2575_2576delGAinsAG, p.Glu859Arg (NM_001406769.1, NM_001406772.1); c.2533_2534delGAinsAG, p.Glu845Arg (NM_001406771.1, NM_001406773.1); and 10 more; short protein forms E647R, E649R, E692R, E737R, E845R, E946R, E991R, E508R.
Identifiers: ClinVar variation 1986571 (VCV001986571.5), dbSNP rs2538626467, ClinGen allele CA2580081476.

ClinVar aggregate classification (germline): Uncertain significance. Review status: criteria provided, multiple submitters, no conflicts (2 of 4 stars). 2 submissions from 2 submitters: Uncertain significance (2). Last evaluated 2024-10-11.

Conditions:
Hereditary cancer-predisposing syndrome. Also called: Tumor predisposition; Hereditary neoplastic syndrome; Neoplastic Syndromes, Hereditary; Hereditary Cancer Syndrome. Identifiers: Orphanet 140162, MedGen C0027672, MeSH D009386, MONDO:0015356.
Multiple endocrine neoplasia, type 2 (MEN2). Identifiers: Orphanet 653, MedGen C4048306, MONDO:0019003. Disease mechanism: gain of function.

Submissions (2):

Ambry Genetics
Classification: Uncertain significance for Hereditary cancer-predisposing syndrome. Last evaluated: 2024-10-11. Review status: criteria provided, single submitter. Criteria: Ambry Variant Classification Scheme 2023. Collection method: clinical testing. Allele origin: germline.
Comment: The c.2971_2972delGAinsAG variant (also known as p.E991R), located in coding exon 18 of the RET gene, results from an in-frame deletion of GA and insertion of AG at nucleotide positions 2971 to 2972. This results in the substitution of the glutamic acid residue for an arginine residue at codon 991, an amino acid with similar properties. This amino acid position is highly conserved in available vertebrate species. In addition, the in silico prediction for this alteration is inconclusive (Choi Y et al. PLoS ONE. 2012; 7(10):e46688). Since supporting evidence is limited at this time, the clinical significance of this alteration remains unclear.

Labcorp Genetics (formerly Invitae), Labcorp
Classification: Uncertain significance for Multiple endocrine neoplasia, type 2. Last evaluated: 2022-07-11. Review status: criteria provided, single submitter. Criteria: Invitae Variant Classification Sherloc (09022015). Collection method: clinical testing. Allele origin: germline.
Comment: In summary, the available evidence is currently insufficient to determine the role of this variant in disease. Therefore, it has been classified as a Variant of Uncertain Significance. Algorithms developed to predict the effect of missense changes on protein structure and function are either unavailable or do not agree on the potential impact of this missense change (SIFT: "Not Available"; PolyPhen-2: "Probably Damaging"; Align-GVGD: "Not Available"). This variant has not been reported in the literature in individuals affected with RET-related conditions. Information on the frequency of this variant in the gnomAD database is not available, as this variant may be reported differently in the database. This sequence change replaces glutamic acid, which is acidic and polar, with arginine, which is basic and polar, at codon 991 of the RET protein (p.Glu991Arg).